The following is an entry in ClinVar:

GRCh38/hg38 22q11.21(chr22:19017218-21105423)x1

Genes: SEPTIN5 (septin 5; plus strand), SERPIND1 (serpin family D member 1; plus strand), SLC25A1 (solute carrier family 25 member 1; minus strand), SLC7A4 (solute carrier family 7 member 4; minus strand), SNAP29 (synaptosome associated protein 29; plus strand) and 168 more. Cytogenetic location: 22q11.21.
Variant type: copy number loss.
Change: copy number 1 (one copy instead of two) of chr22:19,017,218-21,105,423 (2.09 Mb, GRCh38 coordinates, 1-based), cytogenetic band 22q11.21.
Identifiers: ClinVar variation 4796243 (VCV004796243.1).

ClinVar aggregate classification (germline): Pathogenic (1 of 4 stars; one submission).

Submission:

Medical Genetic Center, Changzhi Maternal and Child Health Care Hospital
Classification: Pathogenic. Last evaluated: 2025-12-10. Review status: criteria provided, single submitter. Criteria: ACMG/ClinGen CNV Guidelines, 2019. Collection method: clinical testing. Allele origin: unknown.
Comment: 2A:22q11.2 recurrent (DGS/VCFS) region (proximal, A-D) (includes TBX1)